The following is an entry in ClinVar:

ClinVar aggregate classification (germline): Uncertain significance (1 of 4 stars; one submission).

Allele frequency attached by ClinVar (database versions not stated): ExAC 0.00001; TOPMed 0.00005; gnomAD 0.00004.
gnomAD v4.1: 82 of 1,567,066 alleles (0.0052%); highest among the groups gnomAD compares: Non-Finnish European, 0.0066%; no homozygotes.

Submission:

Labcorp Genetics (formerly Invitae), Labcorp
Classification: Uncertain significance. Last evaluated: 2024-05-06. Review status: criteria provided, single submitter. Criteria: Invitae Variant Classification Sherloc (09022015). Collection method: clinical testing. Allele origin: germline.
Comment: This sequence change replaces arginine, which is basic and polar, with glutamine, which is neutral and polar, at codon 76 of the TMED7 protein (p.Arg76Gln). This variant is present in population databases (rs779604271, gnomAD 0.009%). This variant has not been reported in the literature in individuals affected with TMED7-related conditions. ClinVar contains an entry for this variant (Variation ID: 2065235). An algorithm developed to predict the effect of missense changes on protein structure and function (PolyPhen-2) suggests that this variant is likely to be disruptive. In summary, the available evidence is currently insufficient to determine the role of this variant in disease. Therefore, it has been classified as a Variant of Uncertain Significance.

NM_181836.6(TMED7):c.227G>A (p.Arg76Gln)

Genes: TMED7 (transmembrane p24 trafficking protein 7; minus strand), TMED7-TICAM2 (TMED7-TICAM2 readthrough; minus strand). Cytogenetic location: 5q22.3.
Variant type: single nucleotide variant.
Coding change: c.227G>A on transcript NM_181836.6 (MANE Select); coding-DNA position 227, G replaced by A.
Protein change: p.Arg76Gln; replaces arginine 76 with glutamine.
Molecular consequence: missense variant.
Genome position (GRCh38, 1-based): chr5:115,620,646, C>T on the plus strand (G>A on the coding strand, the complement: TMED7 is on the minus strand). VCF-style: chr5-115620646-C-T. GRCh37 (hg19) VCF-style: chr5-114956343-C-T.
Other names: c.227G>A, p.Arg76Gln (NM_001164468.4, NM_001164469.4); short protein forms R76Q.
Identifiers: ClinVar variation 2065235 (VCV002065235.4), dbSNP rs779604271, ClinGen allele CA3375197.